The following is an entry in ClinVar:

ClinVar aggregate classification (germline): Benign/Likely benign. Review status: criteria provided, multiple submitters, no conflicts (2 of 4 stars). 4 submissions from 4 submitters: Benign (1); Likely benign (3). Last evaluated 2025-06-10.

Conditions:
Lynch syndrome 5 (LYNCH5). Also called: Colorectal cancer, hereditary nonpolyposis, type 5; Hereditary non-polyposis colorectal cancer, type 5. Identifiers: Orphanet 144, MedGen C1833477, MONDO:0013710, OMIM 614350. Disease mechanism: loss of function.
Hereditary cancer-predisposing syndrome. Also called: Neoplastic Syndromes, Hereditary; Tumor predisposition; Hereditary Cancer Syndrome; Hereditary neoplastic syndrome. Identifiers: Orphanet 140162, MedGen C0027672, MeSH D009386, MONDO:0015356.
Hereditary nonpolyposis colorectal neoplasms. Identifiers: MedGen C0009405, MeSH D003123.

Allele frequency attached by ClinVar (database versions not stated): gnomAD exomes below 0.00001.
gnomAD v4.1: 2 of 1,614,096 alleles (0.00012%); highest among the groups gnomAD compares: Non-Finnish European, 0.00017%; no homozygotes.

Submissions (4):

Labcorp Genetics (formerly Invitae), Labcorp
Classification: Likely benign for Hereditary nonpolyposis colorectal neoplasms. Last evaluated: 2025-06-10. Review status: criteria provided, single submitter. Criteria: Invitae Variant Classification Sherloc (09022015). Collection method: clinical testing. Allele origin: germline.

Myriad Genetics, Inc.
Classification: Benign for Lynch syndrome 5. Last evaluated: 2024-12-27. Review status: criteria provided, single submitter. Criteria: Myriad Autosomal Dominant, Autosomal Recessive and X-Linked Classification Criteria (2023). Collection method: clinical testing. Allele origin: unknown.
Comment: This variant is considered benign. This variant is a silent/synonymous amino acid change and it is not expected to impact splicing.

Ambry Genetics
Classification: Likely benign for Hereditary cancer-predisposing syndrome. Last evaluated: 2022-02-06. Review status: criteria provided, single submitter. Criteria: Ambry Variant Classification Scheme 2023. Collection method: clinical testing. Allele origin: germline.

Color Diagnostics, LLC DBA Color Health
Classification: Likely benign for Hereditary cancer-predisposing syndrome. Last evaluated: 2019-06-24. Review status: criteria provided, single submitter. Criteria: ACMG Guidelines, 2015. Collection method: clinical testing. Allele origin: germline.

NM_000179.3(MSH6):c.1575T>C (p.Ser525=)

Gene: MSH6 (mutS homolog 6; plus strand). Cytogenetic location: 2p16.3.
Variant type: single nucleotide variant.
Coding change: c.1575T>C on transcript NM_000179.3 (MANE Select); coding-DNA position 1575, T replaced by C.
Protein change: p.Ser525=; no amino-acid change (serine 525 retained).
Molecular consequence: synonymous variant.
Genome position (GRCh38, 1-based): chr2:47,799,558, T>C. VCF-style: chr2-47799558-T-C. GRCh37 (hg19) VCF-style: chr2-48026697-T-C.
Other names: c.1185T>C, p.Ser395= (NM_001281492.2); c.669T>C, p.Ser223= (NM_001281493.2, NM_001281494.2).
Identifiers: ClinVar variation 924193 (VCV000924193.13), dbSNP rs1290382350, ClinGen allele CA426121358.